The following is an entry in ClinVar:

NM_001348323.3(TRIP12):c.6122C>T (p.Pro2041Leu)

Gene: TRIP12 (thyroid hormone receptor interactor 12; minus strand). Cytogenetic location: 2q36.3.
Variant type: single nucleotide variant.
Coding change: c.6122C>T on transcript NM_001348323.3 (MANE Select); coding-DNA position 6122, C replaced by T.
Protein change: p.Pro2041Leu; replaces proline 2041 with leucine.
Molecular consequence: missense variant.
Genome position (GRCh38, 1-based): chr2:229,767,636, G>A on the plus strand (C>T on the coding strand, the complement: TRIP12 is on the minus strand). VCF-style: chr2-229767636-G-A. GRCh37 (hg19) VCF-style: chr2-230632352-G-A.
Other names: c.6041C>T, p.Pro2014Leu (NM_001284214.2, NM_001348315.2); c.5996C>T, p.Pro1999Leu (NM_001284215.2, NM_001348316.2); c.5087C>T, p.Pro1696Leu (NM_001284216.2); c.5981C>T, p.Pro1994Leu (NM_001348317.1, NM_001348318.2); c.6107C>T, p.Pro2036Leu (NM_001348319.1, NM_001348320.2); c.6110C>T, p.Pro2037Leu (NM_001348321.1); c.6122C>T, p.Pro2041Leu (NM_001348322.1, NM_001348324.2, NM_001348325.2 and 2 more transcripts); c.6125C>T, p.Pro2042Leu (NM_001348328.1, NM_001348329.2, NM_001348330.2); and 5 more; short protein forms P1696L, P1966L, P1967L, P1994L, P1999L, P2007L, P2014L, P2015L.
Identifiers: ClinVar variation 984640 (VCV000984640.4), dbSNP rs2032214426, ClinGen allele CA350882076.

ClinVar aggregate classification (germline): Conflicting classifications of pathogenicity. Review status: criteria provided, conflicting classifications (1 of 4 stars). 3 submissions from 3 submitters: Pathogenic (1); Uncertain significance (1). 1 of the submissions does not count toward it. Last evaluated 2024-10-10.

Conditions:
Clark-Baraitser syndrome. Also called: BARAITSER SYNDROME; Mental retardation, tall stature, obesity, macrocephaly and typical facial features; Intellectual disability, autosomal dominant 49; MENTAL RETARDATION, AUTOSOMAL DOMINANT 49. Identifiers: Orphanet 600731, MedGen C2931130, MONDO:0030914, OMIM 617752.

Allele frequency attached by ClinVar (database versions not stated): gnomAD exomes below 0.00001.
gnomAD v4.1: 1 of 1,614,002 alleles (0.000062%); no homozygotes.

Submissions (3):

Victorian Clinical Genetics Services, Murdoch Childrens Research Institute
Classification: Pathogenic for Clark-Baraitser syndrome. Last evaluated: 2024-10-10. Review status: criteria provided, single submitter. Criteria: ACMG Guidelines, 2015. Collection method: clinical testing. Allele origin: germline. Inheritance: Autosomal dominant inheritance. Affected: yes.
Comment: Based on the classification scheme VCGS_Germline_v1.3.5, this variant is classified as Pathogenic. Following criteria are met: 0102 - Loss of function is a known mechanism of disease in this gene and is associated with intellectual developmental disorder, autosomal dominant 49 (MIM#617752). (I) 0107 - This gene is associated with autosomal dominant disease. (I) 0200 - Variant is predicted to result in a missense amino acid change from proline to leucine. (I) 0251 - This variant is heterozygous. (I) 0302 - Variant is present in gnomAD (v4) <0.001 for a dominant condition (1 heterozygote, 0 homozygotes). (SP) 0502 - Missense variant with conflicting in silico predictions and very high conservation. (I) 0600 - Variant is located in the annotated HECT domain (NCBI). (I) 0704 - Another missense variant comparable to the one identified in this case has limited previous evidence for pathogenicity. An alternative change, p.(Pro2041Thr), has been reported as de novo in a heterozygous individual in DECIPHER. (SP) 0801 - This variant has strong previous evidence of pathogenicity in unrelated individuals. This variant has been classified as likely pathogenic in two de novo individuals (ClinVar, DECIPHER). (SP) 0905 - No published segregation evidence has been identified for this variant. (I) 1007 - No published functional evidence has been identified for this variant. (SP) Legend: (SP) - Supporting pathogenic, (I) - Information, (SB) - Supporting benign

GeneDx
Classification: Uncertain significance. Last evaluated: 2024-07-22. Review status: criteria provided, single submitter. Criteria: GeneDx Variant Classification Process June 2021. Collection method: clinical testing. Allele origin: germline. Affected: yes.
Comment: Reported as a de novo variant with confirmed parentage in one individual from a cohort of patients with developmental disorders; however, this individual also harbored additional de novo variants in other genes possibly related to the phenotype (PMID: 33057194); Not observed at significant frequency in large population cohorts (gnomAD); In silico analysis supports that this missense variant has a deleterious effect on protein structure/function; This variant is associated with the following publications: (PMID: 35982159, 33057194)

Department of Genetics, Rouen University Hospital, Normandy Center for Genomic and Personalized Medicine
Classification: Likely pathogenic for Clark-Baraitser syndrome. Last evaluated: 2020-04-03. Review status: no assertion criteria provided. Collection method: clinical testing. Allele origin: de novo. Affected: yes. Not counted in ClinVar's aggregate classification.